The following is an entry in ClinVar:

NM_001244008.2(KIF1A):c.3163G>C (p.Gly1055Arg)

Gene: KIF1A (kinesin family member 1A; minus strand). Cytogenetic location: 2q37.3.
Variant type: single nucleotide variant.
Coding change: c.3163G>C on transcript NM_001244008.2 (MANE Select); coding-DNA position 3163, G replaced by C.
Protein change: p.Gly1055Arg; replaces glycine 1055 with arginine.
Molecular consequence: missense variant.
Genome position (GRCh38, 1-based): chr2:240,746,078, C>G on the plus strand (G>C on the coding strand, the complement: KIF1A is on the minus strand). VCF-style: chr2-240746078-C-G. GRCh37 (hg19) VCF-style: chr2-241685495-C-G.
Other names: c.2887G>C, p.Gly963Arg (NM_001320705.2, NM_001330289.2, NM_001379638.1); c.2962G>C, p.Gly988Arg (NM_001330290.2, NM_001379634.1, NM_001379635.1 and 1 more transcripts); c.3238G>C, p.Gly1080Arg (NM_001379631.1); c.3112G>C, p.Gly1038Arg (NM_001379632.1); c.3136G>C, p.Gly1046Arg (NM_001379633.1, NM_001379642.1, NM_001379645.1); c.2860G>C, p.Gly954Arg (NM_001379636.1, NM_001379639.1, NM_001379640.1 and 7 more transcripts); c.2935G>C, p.Gly979Arg (NM_001379637.1, NM_001379648.1); short protein forms G1038R, G979R, G988R, G1055R, G954R, G963R, G1046R, G1080R.
Identifiers: ClinVar variation 1986685 (VCV001986685.4), dbSNP rs1418286188, ClinGen allele CA351318832.

ClinVar aggregate classification (germline): Uncertain significance (1 of 4 stars; one submission).

Conditions:
Hereditary spastic paraplegia 30. Identifiers: Orphanet 101010, MedGen C5235139, MONDO:0012476.
Neuropathy, hereditary sensory, type 2C. Also called: Hereditary sensory and autonomic neuropathy type IIC; KIF1A-Related HSAN2 (HSAN2C). Identifiers: Orphanet 970, MedGen C3280168, MONDO:0013634, OMIM 614213.
Intellectual disability, autosomal dominant 9 (NESCAVS). Also called: NESCAV SYNDROME; KIF1A-Related Neurodevelopmental Disorder. Identifiers: Orphanet 662367, MedGen C5393830, MONDO:0013656, OMIM 614255.

Allele frequency attached by ClinVar (database versions not stated): gnomAD 0.00001; TOPMed 0.00001.
gnomAD v4.1: 6 of 1,599,658 alleles (0.00038%); highest among the groups gnomAD compares: Non-Finnish European, 0.00051%; no homozygotes.

Submission:

Labcorp Genetics (formerly Invitae), Labcorp
Classification: Uncertain significance for Hereditary spastic paraplegia 30; Neuropathy, hereditary sensory, type 2C; Intellectual disability, autosomal dominant 9. Last evaluated: 2022-09-13. Review status: criteria provided, single submitter. Criteria: Invitae Variant Classification Sherloc (09022015). Collection method: clinical testing. Allele origin: germline.
Comment: In summary, the available evidence is currently insufficient to determine the role of this variant in disease. Therefore, it has been classified as a Variant of Uncertain Significance. Advanced modeling of protein sequence and biophysical properties (such as structural, functional, and spatial information, amino acid conservation, physicochemical variation, residue mobility, and thermodynamic stability) performed at Invitae indicates that this missense variant is not expected to disrupt KIF1A protein function. This variant has not been reported in the literature in individuals affected with KIF1A-related conditions. This variant is not present in population databases (gnomAD no frequency). This sequence change replaces glycine, which is neutral and non-polar, with arginine, which is basic and polar, at codon 954 of the KIF1A protein (p.Gly954Arg).